The following is an entry in ClinVar:

NM_000188.3(HK1):c.753C>T (p.Asp251=)

Gene: HK1 (hexokinase 1; plus strand). Cytogenetic location: 10q22.1.
Variant type: single nucleotide variant.
Coding change: c.753C>T on transcript NM_000188.3 (MANE Select); coding-DNA position 753, C replaced by T.
Protein change: p.Asp251=; no amino-acid change (aspartic acid 251 retained).
Molecular consequence: synonymous variant.
Genome position (GRCh38, 1-based): chr10:69,369,502, C>T. VCF-style: chr10-69369502-C-T. GRCh37 (hg19) VCF-style: chr10-71129258-C-T.
Other names: c.765C>T, p.Asp255= (NM_001322364.2, NM_001358263.1, NM_033497.3 and 1 more transcripts); c.858C>T, p.Asp286= (NM_001322365.2); c.669C>T, p.Asp223= (NM_001322366.1); c.657C>T, p.Asp219= (NM_001322367.1); c.750C>T, p.Asp250= (NM_033496.3); c.717C>T, p.Asp239= (NM_033500.2).
Identifiers: ClinVar variation 738244 (VCV000738244.32), dbSNP rs143391625, ClinGen allele CA5532424.

ClinVar aggregate classification (germline): Likely benign. Review status: criteria provided, multiple submitters, no conflicts (2 of 4 stars). 5 submissions from 5 submitters: Likely benign (4). 1 of the submissions does not count toward it. Last evaluated 2025-06-10.

Conditions:
HK1-related disorder. Also called: HK1-related disorders; HK1-related condition.
Inborn genetic diseases. Identifiers: MedGen C0950123, MeSH D030342.

Allele frequency attached by ClinVar (database versions not stated): ExAC 0.00003; TOPMed 0.00005; gnomAD exomes 0.00007; ESP Exome Variant Server 0.00008; gnomAD 0.00011 and 0.00013.
gnomAD v4.1: 117 of 1,613,958 alleles (0.0072%); highest among the groups gnomAD compares: Middle Eastern, 0.033%; no homozygotes.

Submissions (5):

Ambry Genetics
Classification: Likely benign for Inborn genetic diseases. Last evaluated: 2025-06-10. Review status: criteria provided, single submitter. Criteria: Ambry Variant Classification Scheme 2023. Collection method: clinical testing. Allele origin: germline.

Labcorp Genetics (formerly Invitae), Labcorp
Classification: Likely benign. Last evaluated: 2024-12-12. Review status: criteria provided, single submitter. Criteria: Invitae Variant Classification Sherloc (09022015). Collection method: clinical testing. Allele origin: germline.

CeGaT Center for Human Genetics Tuebingen
Classification: Likely benign. Last evaluated: 2024-07-01. Review status: criteria provided, single submitter. Criteria: CeGaT Center For Human Genetics Tuebingen Variant Classification Criteria Version 2. Collection method: clinical testing. Allele origin: germline. Affected: yes. Observed: 2 variant alleles.
Comment: HK1: BP4, BP7

Blueprint Genetics
Classification: Likely benign. Last evaluated: 2023-06-12. Review status: criteria provided, single submitter. Criteria: ACMG Guidelines, 2015. Collection method: clinical testing. Allele origin: germline.

PreventionGenetics, part of Exact Sciences
Classification: Likely benign for HK1-related condition. Last evaluated: 2024-09-17. Review status: no assertion criteria provided. Collection method: clinical testing. Allele origin: germline. Not counted in ClinVar's aggregate classification.
Comment: This variant is classified as likely benign based on ACMG/AMP sequence variant interpretation guidelines (Richards et al. 2015 PMID: 25741868, with internal and published modifications).